The following is an entry in ClinVar:

NM_000090.4(COL3A1):c.1096G>A (p.Gly366Arg)

Gene: COL3A1 (collagen type III alpha 1 chain; plus strand). Cytogenetic location: 2q32.2.
Variant type: single nucleotide variant.
Coding change: c.1096G>A on transcript NM_000090.4 (MANE Select); coding-DNA position 1096, G replaced by A.
Protein change: p.Gly366Arg; replaces glycine 366 with arginine.
Molecular consequence: missense variant.
Genome position (GRCh38, 1-based): chr2:188,993,406, G>A. VCF-style: chr2-188993406-G-A. GRCh37 (hg19) VCF-style: chr2-189858132-G-A.
Identifiers: ClinVar variation 101456 (VCV000101456.4), dbSNP rs587779696, ClinGen allele CA004055.
Genomic context (GRCh38, chr2:188,993,406, plus strand): 5'-AGGTTTTACCATTAGGGTGAAGTTGGACCTGCAGGGTCTCCTGGTTCAAATGGTGCCCCT[G>A]GACAAAGAGGAGAACCTGGACCTCAGGGACACGCTGGTGCTCAAGGTCCTCCTGTAAGTA-3'
Protein context (NP_000081.2, residues 356-376): AGSPGSNGAP[Gly366Arg]QRGEPGPQGH

ClinVar aggregate classification (germline): Likely pathogenic. Review status: criteria provided, multiple submitters, no conflicts (2 of 4 stars). 3 submissions from 3 submitters: Likely pathogenic (2). 1 of the submissions does not count toward it. Last evaluated 2025-12-02.

Conditions:
Ehlers-Danlos syndrome, type 4 (EDSVASC). Also called: Ehlers-Danlos syndrome vascular type; Ehlers Danlos syndrome, ecchymotic type; Ehlers Danlos syndrome, arterial type; Ehlers Danlos syndrome, Sack-Barabas type; Ehlers-Danlos Syndrome Type IV. Identifiers: Orphanet 286, MedGen C0268338, MONDO:0017314, OMIM 130050.
Polymicrogyria with or without vascular-type Ehlers-Danlos syndrome. Identifiers: Orphanet 636941, MedGen C5193040, MONDO:0032688, OMIM 618343.

Submissions (3):

Labcorp Genetics (formerly Invitae), Labcorp
Classification: Likely pathogenic for Ehlers-Danlos syndrome, type 4. Last evaluated: 2025-12-02. Review status: criteria provided, single submitter. Criteria: Invitae Variant Classification Sherloc (09022015). Collection method: clinical testing. Allele origin: germline.
Comment: This sequence change replaces glycine, which is neutral and non-polar, with arginine, which is basic and polar, at codon 366 of the COL3A1 protein (p.Gly366Arg). This variant is not present in population databases (gnomAD no frequency). This missense change has been observed in individual(s) with Ehlers-Danlos syndrome (PMID: 24922459, 37937776). ClinVar contains an entry for this variant (Variation ID: 101456). Invitae Evidence Modeling of protein sequence and biophysical properties (such as structural, functional, and spatial information, amino acid conservation, physicochemical variation, residue mobility, and thermodynamic stability) indicates that this missense variant is expected to disrupt COL3A1 protein function with a positive predictive value of 95%. This variant disrupts the triple helix domain of COL3A1. Glycine residues within the Gly-Xaa-Yaa repeats of the triple helix domain are required for the structure and stability of fibrillar collagens (PMID: 7695699, 8218237, 19344236). In COL3A1, variants that affect these glycine residues are significantly enriched in individuals with disease (PMID: 24922459, 25758994) compared to the general population (ExAC). In summary, the currently available evidence indicates that the variant is pathogenic, but additional data are needed to prove that conclusively. Therefore, this variant has been classified as Likely Pathogenic.

Fulgent Genetics
Classification: Likely pathogenic for Ehlers-Danlos syndrome, type 4; Polymicrogyria with or without vascular-type Ehlers-Danlos syndrome. Last evaluated: 2021-07-20. Review status: criteria provided, single submitter. Criteria: ACMG Guidelines, 2015. Collection method: clinical testing. Allele origin: unknown.

Collagen Diagnostic Laboratory, University of Washington
Classification: Pathogenic for Ehlers-Danlos syndrome, type 4. Review status: no assertion criteria provided. Collection method: clinical testing. Allele origin: germline. Affected: yes. Not counted in ClinVar's aggregate classification.

Literature cited by the submitters: PubMed 24922459 (cited by Labcorp Genetics (formerly Invitae), Labcorp); PubMed 37937776 (cited by Labcorp Genetics (formerly Invitae), Labcorp); PubMed 7695699 (cited by Labcorp Genetics (formerly Invitae), Labcorp); PubMed 8218237 (cited by Labcorp Genetics (formerly Invitae), Labcorp); PubMed 19344236 (cited by Labcorp Genetics (formerly Invitae), Labcorp); PubMed 25758994 (cited by Labcorp Genetics (formerly Invitae), Labcorp).